The following is an entry in ClinVar:

ClinVar aggregate classification (germline): Uncertain significance (1 of 4 stars; one submission).

Allele frequency attached by ClinVar (database versions not stated): gnomAD exomes below 0.00001.
gnomAD v4.1: 1 of 1,613,710 alleles (0.000062%); highest among the groups gnomAD compares: Middle Eastern, 0.017%; no homozygotes.

Submission:

Labcorp Genetics (formerly Invitae), Labcorp
Classification: Uncertain significance. Last evaluated: 2022-09-27. Review status: criteria provided, single submitter. Criteria: Invitae Variant Classification Sherloc (09022015). Collection method: clinical testing. Allele origin: germline.
Comment: This variant has not been reported in the literature in individuals affected with RP1-related conditions. In summary, the available evidence is currently insufficient to determine the role of this variant in disease. Therefore, it has been classified as a Variant of Uncertain Significance. Algorithms developed to predict the effect of missense changes on protein structure and function (SIFT, PolyPhen-2, Align-GVGD) all suggest that this variant is likely to be tolerated. This variant is not present in population databases (gnomAD no frequency). This sequence change replaces methionine, which is neutral and non-polar, with leucine, which is neutral and non-polar, at codon 2127 of the RP1 protein (p.Met2127Leu).

NM_006269.2(RP1):c.6379A>C (p.Met2127Leu)

Gene: RP1 (RP1 axonemal microtubule associated; plus strand). Cytogenetic location: 8q12.1.
Variant type: single nucleotide variant.
Coding change: c.6379A>C on transcript NM_006269.2 (MANE Select); coding-DNA position 6379, A replaced by C.
Protein change: p.Met2127Leu; replaces methionine 2127 with leucine.
Molecular consequence: missense variant. On other transcripts: intron variant (1).
Genome position (GRCh38, 1-based): chr8:54,630,261, A>C. VCF-style: chr8-54630261-A-C. GRCh37 (hg19) VCF-style: chr8-55542821-A-C.
Other names: c.787+7973A>C (NM_001375654.1); short protein forms M2127L.
Identifiers: ClinVar variation 1958077 (VCV001958077.5), dbSNP rs1806217280, ClinGen allele CA370991945.
Genomic context (GRCh38, chr8:54,630,261, plus strand): 5'-GATATTTGCCAAGTTGAGACCTCCTTAAATATTAGCAACAGAAATATTTTAGAACTTTGT[A>C]TGTTTGAGGGTGAAAATCTTTTCATTTGGGAAGAGGAAGACATATTAAATTTAACTGATC-3'
Protein context (NP_006260.1, residues 2117-2137): ISNRNILELC[Met2127Leu]FEGENLFIWE